The following is an entry in ClinVar:

ClinVar aggregate classification (germline): Pathogenic. Review status: criteria provided, multiple submitters, no conflicts (2 of 4 stars). 3 submissions from 3 submitters: Pathogenic (3). Last evaluated 2023-02-08.

Conditions:
Autosomal recessive limb-girdle muscular dystrophy type 2D (LGMDR3). Also called: ADHALINOPATHY, PRIMARY; MUSCULAR DYSTROPHY, LIMB-GIRDLE, AUTOSOMAL RECESSIVE 3; DUCHENNE-LIKE AUTOSOMAL RECESSIVE MUSCULAR DYSTROPHY, TYPE 2. Identifiers: Orphanet 62, MedGen C2936332, MONDO:0011968, OMIM 608099. Disease mechanism: Affects gamma-sarcoglycan and also disrupts the integrity of the entire sarcoglycan complex..

Submissions (3):

Genome-Nilou Lab
Classification: Pathogenic for Autosomal recessive limb-girdle muscular dystrophy type 2D. Last evaluated: 2023-02-08. Review status: criteria provided, single submitter. Criteria: ACMG Guidelines, 2015. Collection method: clinical testing. Allele origin: germline.

Laboratory of Inherited Metabolic Diseases, Research centre for medical genetics
Classification: Pathogenic for Autosomal recessive limb-girdle muscular dystrophy type 2D. Last evaluated: 2020-02-11. Review status: criteria provided, single submitter. Criteria: ACMG Guidelines, 2015. Collection method: clinical testing. Allele origin: germline. Inheritance: Autosomal recessive inheritance. Affected: yes. Observed: 1 variant allele.
Comment: found in compound with c.434C>A

Labcorp Genetics (formerly Invitae), Labcorp
Classification: Pathogenic for Limb-girdle muscular dystrophy, type 2D. Last evaluated: 2019-02-21. Review status: criteria provided, single submitter. Criteria: Invitae Variant Classification Sherloc (09022015). Collection method: clinical testing. Allele origin: germline.
Comment: This sequence change creates a premature translational stop signal (p.Gly265Glnfs*57) in the SGCA gene. It is expected to result in an absent or disrupted protein product. This variant is not present in population databases (ExAC no frequency). This variant has not been reported in the literature in individuals with SGCA-related conditions. Loss-of-function variants in SGCA are known to be pathogenic (PMID: 9192266). For these reasons, this variant has been classified as Pathogenic.

NM_000023.4(SGCA):c.790_791dup (p.Gly265fs)

Gene: SGCA (sarcoglycan alpha; plus strand). Cytogenetic location: 17q21.33.
Variant type: Duplication.
Coding change: c.790_791dup on transcript NM_000023.4 (MANE Select); coding-DNA positions 790 to 791, 2 bases duplicated (CC; older notation c.790_791dupCC).
Protein change: p.Gly265fs; shifts the reading frame from glycine 265.
Molecular consequence: frameshift variant. On other transcripts: intron variant (1).
Genome position (GRCh38, 1-based): chr17:50,170,185-50,170,186, CC duplicated; duplicating any 2 consecutive bases within chr17:50,170,183-50,170,186 gives the same sequence; the c. name uses the placement nearest the transcript's 3' end. VCF-style (leftmost placement, unchanged base first): chr17-50170182-A-ACC. GRCh37 (hg19) VCF-style: chr17-48247543-A-ACC.
Other names: c.585-455_585-454dup (NM_001135697.3); short protein forms G265fs.
Identifiers: ClinVar variation 847583 (VCV000847583.3), dbSNP rs1905254738, ClinGen allele CA916080935.